The following is an entry in ClinVar:

NM_000059.4(BRCA2):c.4256A>G (p.Lys1419Arg)

Gene: BRCA2 (BRCA2 DNA repair associated; plus strand). Cytogenetic location: 13q13.1.
Variant type: single nucleotide variant.
Coding change: c.4256A>G on transcript NM_000059.4 (MANE Select); coding-DNA position 4256, A replaced by G.
Protein change: p.Lys1419Arg; replaces lysine 1419 with arginine.
Molecular consequence: missense variant. On other transcripts: non-coding transcript variant (1), intron variant (2).
Genome position (GRCh38, 1-based): chr13:32,338,611, A>G. VCF-style: chr13-32338611-A-G. GRCh37 (hg19) VCF-style: chr13-32912748-A-G.
Other names: c.4256A>G, p.Lys1419Arg (NM_001406719.1, NM_001406720.1, NM_001432077.1); c.1909+5224A>G (NM_001406721.1); c.425-5947A>G (NM_001406722.1); short protein forms K1419R.
Identifiers: ClinVar variation 4856508 (VCV004856508.1).

ClinVar aggregate classification (germline): Likely benign (1 of 4 stars; one submission).

Conditions:
Breast-ovarian cancer, familial, susceptibility to, 2 (BROVCA2). Also called: BRCA2 Hereditary Breast and Ovarian Cancer. Identifiers: Orphanet 145, MedGen C2675520, MONDO:0012933, OMIM 612555. Disease mechanism: loss of function.

gnomAD v4.1: 1 of 1,596,902 alleles (0.000063%); highest among the groups gnomAD compares: Non-Finnish European, 0.000086%; no homozygotes.

Submission:

Cancer Bioinformatics and Tumour Evolution Laboratory, Monash University
Classification: Likely benign for Breast-ovarian cancer, familial, susceptibility to, 2. Last evaluated: 2026-05-01. Review status: criteria provided, single submitter. Criteria: ClinGen BRCA1 and BRCA2 Guidelines, 2024. Collection method: curation. Allele origin: germline. Inheritance: Autosomal dominant inheritance.
Comment: Missense variant outside of a functional domain with no splice impact. BRCA1 and BRCA2 VCEP guidelines recommend application of BP1_Strong (PMID: 39142283)